The following is an entry in ClinVar:

ClinVar aggregate classification (germline): Pathogenic/Likely pathogenic. Review status: criteria provided, multiple submitters, no conflicts (2 of 4 stars). 3 submissions from 3 submitters: Pathogenic (2); Likely pathogenic (1). Last evaluated 2026-01-22.

Conditions:
Familial cancer of breast. Also called: BREAST CANCER, FAMILIAL; hereditary breast carcinoma; Hereditary breast cancer. Identifiers: Orphanet 227535, MedGen C0346153, MONDO:0016419, OMIM 114480. Disease mechanism: loss of function.
Ataxia-telangiectasia syndrome (AT). Also called: LOUIS-BAR SYNDROME; Ataxia-telangiectasia, complementation group D; AT, COMPLEMENTATION GROUP C; ATAXIA-TELANGIECTASIA, COMPLEMENTATION GROUP A; ATAXIA-TELANGIECTASIA, FRESNO VARIANT; Ataxia-telangiectasia, complementation group E. Identifiers: Orphanet 100, MedGen C0004135, MONDO:0008840, OMIM 208900.
Hereditary cancer-predisposing syndrome. Also called: Hereditary Cancer Syndrome; Neoplastic Syndromes, Hereditary; Tumor predisposition; Hereditary neoplastic syndrome. Identifiers: Orphanet 140162, MedGen C0027672, MeSH D009386, MONDO:0015356.

Submissions (3):

Ambry Genetics
Classification: Pathogenic for Hereditary cancer-predisposing syndrome. Last evaluated: 2026-01-22. Review status: criteria provided, single submitter. Criteria: Ambry Variant Classification Scheme 2023. Collection method: clinical testing. Allele origin: germline.
Comment: The c.3455_3456delCT pathogenic mutation, located in coding exon 23 of the ATM gene, results from a deletion of two nucleotides at nucleotide positions 3455 to 3456, causing a translational frameshift with a predicted alternate stop codon (p.S1152Cfs*13). This variant is considered to be rare based on population cohorts in the Genome Aggregation Database (gnomAD). This alteration is expected to result in loss of function by premature protein truncation or nonsense-mediated mRNA decay. As such, this alteration is interpreted as a disease-causing mutation.

Baylor Genetics
Classification: Likely pathogenic for Familial cancer of breast. Last evaluated: 2022-09-01. Review status: criteria provided, single submitter. Criteria: ACMG Guidelines, 2015. Collection method: clinical testing. Allele origin: unknown.

Labcorp Genetics (formerly Invitae), Labcorp
Classification: Pathogenic for Ataxia-telangiectasia syndrome. Last evaluated: 2020-05-20. Review status: criteria provided, single submitter. Criteria: Invitae Variant Classification Sherloc (09022015). Collection method: clinical testing. Allele origin: germline.
Comment: This sequence change creates a premature translational stop signal (p.Ser1152Cysfs*13) in the ATM gene. It is expected to result in an absent or disrupted protein product. This variant is not present in population databases (ExAC no frequency). This variant has not been reported in the literature in individuals with ATM-related conditions. Loss-of-function variants in ATM are known to be pathogenic (PMID: 23807571, 25614872). For these reasons, this variant has been classified as Pathogenic.

Literature cited by the submitters: PubMed 23807571 (cited by Labcorp Genetics (formerly Invitae), Labcorp); PubMed 25614872 (cited by Labcorp Genetics (formerly Invitae), Labcorp).

NM_000051.4(ATM):c.3455_3456del (p.Ser1152fs)

Gene: ATM (ATM serine/threonine kinase; plus strand). Cytogenetic location: 11q22.3.
Variant type: Deletion.
Coding change: c.3455_3456del on transcript NM_000051.4 (MANE Select); coding-DNA positions 3455 to 3456, 2 bases deleted (CT; older notation c.3455_3456delCT).
Protein change: p.Ser1152fs; shifts the reading frame from serine 1152.
Molecular consequence: frameshift variant.
Genome position (GRCh38, 1-based): chr11:108,281,047-108,281,048, CT deleted; deleting any 2 consecutive bases within chr11:108,281,046-108,281,048 gives the same sequence; the c. name uses the placement nearest the transcript's 3' end. VCF-style (leftmost placement, unchanged base first): chr11-108281045-ATC-A. GRCh37 (hg19) VCF-style: chr11-108151772-ATC-A.
Other names: c.3455_3456del, p.Ser1152fs (NM_001351834.2); c.3455_3456delCT (NM_000051.3); short protein forms S1152fs.
Identifiers: ClinVar variation 1068803 (VCV001068803.9), dbSNP rs2135666711, ClinGen allele CA2499220615.